The following is an entry in ClinVar:

NM_018557.3(LRP1B):c.7370C>A (p.Ala2457Asp)

Gene: LRP1B (LDL receptor related protein 1B; minus strand). Cytogenetic location: 2q22.1.
Variant type: single nucleotide variant.
Coding change: c.7370C>A on transcript NM_018557.3 (MANE Select); coding-DNA position 7370, C replaced by A.
Protein change: p.Ala2457Asp; replaces alanine 2457 with aspartic acid.
Molecular consequence: missense variant.
Genome position (GRCh38, 1-based): chr2:140,541,796, G>T on the plus strand (C>A on the coding strand, the complement: LRP1B is on the minus strand). VCF-style: chr2-140541796-G-T. GRCh37 (hg19) VCF-style: chr2-141299365-G-T.
Other names: short protein forms A2457D.
Identifiers: ClinVar variation 3039019 (VCV003039019.2), dbSNP rs1349331434, ClinGen allele CA348383589.

ClinVar aggregate classification (germline): Uncertain significance (0 of 4 stars; one submission).

Conditions:
LRP1B-related disorder. Also called: LRP1B-related condition.

Allele frequency attached by ClinVar (database versions not stated): TOPMed below 0.00001; gnomAD 0.00001.
gnomAD v4.1: 1 of 1,610,380 alleles (0.000062%); highest among the groups gnomAD compares: Non-Finnish European, 0.000085%; no homozygotes.

Submission:

PreventionGenetics, part of Exact Sciences
Classification: Uncertain significance for LRP1B-related condition. Last evaluated: 2023-12-11. Review status: no assertion criteria provided. Collection method: clinical testing. Allele origin: germline.
Comment: The LRP1B c.7370C>A variant is predicted to result in the amino acid substitution p.Ala2457Asp. To our knowledge, this variant has not been reported in the literature or in a large population database, indicating this variant is rare. At this time, the clinical significance of this variant is uncertain due to the absence of conclusive functional and genetic evidence.